The following is an entry in ClinVar:

NM_003001.5(SDHC):c.21-2A>G

Gene: SDHC (succinate dehydrogenase complex subunit C; plus strand). Cytogenetic location: 1q23.3.
Variant type: single nucleotide variant.
Coding change: c.21-2A>G on transcript NM_003001.5 (MANE Select); the canonical splice acceptor site of the intron before coding-DNA position 21, A replaced by G.
Molecular consequence: splice acceptor variant. On other transcripts: intron variant (4).
Genome position (GRCh38, 1-based): chr1:161,323,612, A>G. VCF-style: chr1-161323612-A-G. GRCh37 (hg19) VCF-style: chr1-161293402-A-G.
Other names: c.-91-2A>G (NM_001407119.1); c.-209-2A>G (NM_001407120.1); c.21-2A>G (NM_001407115.1, NM_001035511.3, NM_001035512.3 and 2 more transcripts); c.21-4784A>G (NM_001407116.1, NM_001407121.1, NM_001407117.1); c.20+9187A>G (NM_001035513.3).
Identifiers: ClinVar variation 428936 (VCV000428936.49), dbSNP rs1131691062, ClinGen allele CA343359222.

ClinVar aggregate classification (germline): Pathogenic/Likely pathogenic. Review status: criteria provided, multiple submitters, no conflicts (2 of 4 stars). 4 submissions from 4 submitters: Pathogenic (2); Likely pathogenic (2). Last evaluated 2026-05-14.

Conditions:
Pheochromocytoma/paraganglioma syndrome 3. Also called: Paragangliomas 3; SDHC-Related Hereditary Paraganglioma-Pheochromocytoma Syndrome (Paragangliomas 3); SDHC-Related Hereditary Paraganglioma-Pheochromocytoma Syndrome; GLOMUS TUMORS, FAMILIAL, 3. Identifiers: Orphanet 29072, MedGen C1854336, MONDO:0011544, OMIM 605373.
Gastrointestinal stromal tumor. Also called: Gastrointestinal stroma tumor; Gastrointestinal stromal tumor, somatic. Identifiers: Orphanet 44890, MedGen C0238198, MeSH D046152, MONDO:0011719, OMIM 606764, HP:0100723.
Hereditary cancer-predisposing syndrome. Also called: Hereditary neoplastic syndrome; Tumor predisposition; Hereditary Cancer Syndrome; Neoplastic Syndromes, Hereditary. Identifiers: Orphanet 140162, MedGen C0027672, MeSH D009386, MONDO:0015356.

Allele frequency attached by ClinVar (database versions not stated): gnomAD exomes below 0.00001.
gnomAD v4.1: 1 of 1,612,754 alleles (0.000062%); highest among the groups gnomAD compares: African/African-American, 0.0013%; no homozygotes.

Submissions (4):

Ambry Genetics
Classification: Pathogenic for Hereditary cancer-predisposing syndrome. Last evaluated: 2026-05-14. Review status: criteria provided, single submitter. Criteria: Ambry Variant Classification Scheme 2023. Collection method: clinical testing. Allele origin: germline.
Comment: The c.21-2A>G intronic alteration consists of an A to G substitution two nucleotides before exon 2 (coding exon 2) of the SDHC gene. Variants that disrupt the canonical splice site are expected to result in aberrant splicing. A resulting transcript is predicted to be in-frame and is not expected to trigger nonsense-mediated mRNAdecay, although direct evidence is unavailable. However, the region predicted to be impacted is critical for protein function, and a significant portion of the protein is affected (Ambry internal data). This variant was not reported in population-based cohorts in the Genome Aggregation Database (gnomAD). This variant has been observed in at least one individual with a personal and/or family history that is consistent with SDHC-related paraganglioma-pheochromocytoma syndrome (Ambry internal data). This nucleotide position is highly conserved in available vertebrate species. In silico splice site analysis predicts that this alteration will weaken the native splice acceptor site; however, direct evidence is insufficient at this time (Ambry internal data). Based on the available evidence, this alteration is classified as pathogenic.

Labcorp Genetics (formerly Invitae), Labcorp
Classification: Pathogenic for Pheochromocytoma/paraganglioma syndrome 3; Gastrointestinal stromal tumor. Last evaluated: 2025-12-26. Review status: criteria provided, single submitter. Criteria: Invitae Variant Classification Sherloc (09022015). Collection method: clinical testing. Allele origin: germline.
Comment: This sequence change affects an acceptor splice site in intron 1 of the SDHC gene. RNA analysis indicates that disruption of this splice site induces altered splicing and likely results in a shortened protein product. This variant is not present in population databases (gnomAD no frequency). This variant has not been reported in the literature in individuals affected with SDHC-related conditions. ClinVar contains an entry for this variant (Variation ID: 428936). Studies have shown that disruption of this splice site results in skipping of exon 2 or exons 2-3, but is expected to preserve the integrity of the reading-frame (internal data). Other variant(s) that result in the loss of exon 2 have been determined to be pathogenic (PMID: 19454582; internal data). This suggests that this variant may also be clinically significant and likely to be disease-causing. For these reasons, this variant has been classified as Pathogenic.

Myriad Genetics, Inc.
Classification: Likely pathogenic for Pheochromocytoma/paraganglioma syndrome 3. Last evaluated: 2024-02-08. Review status: criteria provided, single submitter. Criteria: Myriad Autosomal Dominant, Autosomal Recessive and X-Linked Classification Criteria (2023). Collection method: clinical testing. Allele origin: unknown.
Comment: This variant is considered likely pathogenic. This variant occurs within a consensus splice junction and is predicted to result in abnormal mRNA splicing of either an out-of-frame exon or an in-frame exon necessary for protein stability and/or normal function.

CeGaT Center for Human Genetics Tuebingen
Classification: Likely pathogenic. Last evaluated: 2022-02-01. Review status: criteria provided, single submitter. Criteria: CeGaT Center For Human Genetics Tuebingen Variant Classification Criteria Version 2. Collection method: clinical testing. Allele origin: germline. Affected: yes. Observed: 1 variant allele.

Literature cited by the submitters: PubMed 19454582 (cited by Labcorp Genetics (formerly Invitae), Labcorp).